The following is an entry in ClinVar:

ClinVar aggregate classification (germline): Likely pathogenic (1 of 4 stars; one submission).

Submission:

CeGaT Center for Human Genetics Tuebingen
Classification: Likely pathogenic. Last evaluated: 2026-08-01. Review status: criteria provided, single submitter. Criteria: CeGaT Center For Human Genetics Tuebingen Variant Classification Criteria Version 2. Collection method: clinical testing. Allele origin: germline. Affected: yes. Observed: 1 variant allele.
Comment: ATP2A2: PP1:Strong, PM2, PP3, PP4

NM_170665.4(ATP2A2):c.542C>G (p.Thr181Arg)

Gene: ATP2A2 (ATPase sarcoplasmic/endoplasmic reticulum Ca2+ transporting 2; plus strand). Cytogenetic location: 12q24.11.
Variant type: single nucleotide variant.
Coding change: c.542C>G on transcript NM_170665.4 (MANE Select); coding-DNA position 542, C replaced by G.
Protein change: p.Thr181Arg; replaces threonine 181 with arginine.
Molecular consequence: missense variant.
Genome position (GRCh38, 1-based): chr12:110,323,070, C>G. VCF-style: chr12-110323070-C-G. GRCh37 (hg19) VCF-style: chr12-110760875-C-G.
Other names: c.437C>G, p.Thr146Arg (NM_001413013.1); c.542C>G, p.Thr181Arg (NM_001413014.1, NM_001681.4); c.167C>G, p.Thr56Arg (NM_001413015.1); short protein forms T146R, T181R, T56R.
Identifiers: ClinVar variation 5039683 (VCV005039683.1).